The following is an entry in ClinVar:

NM_024753.5(TTC21B):c.667C>G (p.Leu223Val)

Genes: TTC21B (tetratricopeptide repeat domain 21B; minus strand), TTC21B-AS1 (TTC21B antisense RNA 1; plus strand). Cytogenetic location: 2q24.3.
Variant type: single nucleotide variant.
Coding change: c.667C>G on transcript NM_024753.5 (MANE Select); coding-DNA position 667, C replaced by G.
Protein change: p.Leu223Val; replaces leucine 223 with valine.
Molecular consequence: missense variant.
Genome position (GRCh38, 1-based): chr2:165,941,070, G>C on the plus strand (C>G on the coding strand, the complement: TTC21B is on the minus strand). VCF-style: chr2-165941070-G-C. GRCh37 (hg19) VCF-style: chr2-166797580-G-C.
Other names: c.667C>G (NM_024753.3); short protein forms L223V.
Identifiers: ClinVar variation 988173 (VCV000988173.11), dbSNP rs370860586, ClinGen allele CA1942377.

ClinVar aggregate classification (germline): Uncertain significance. Review status: criteria provided, multiple submitters, no conflicts (2 of 4 stars). 5 submissions from 5 submitters: Uncertain significance (4). 1 of the submissions does not count toward it. Last evaluated 2025-03-03.

Conditions:
Nephrotic syndrome. Identifiers: MedGen C0027726, MONDO:0005377, HP:0000100.
TTC21B-related disorder. Also called: TTC21B-related disorders; TTC21B-related condition.
Inborn genetic diseases. Identifiers: MedGen C0950123, MeSH D030342.
Nephronophthisis. Also called: Juvenile Nephronophthisis. Identifiers: Orphanet 655, MedGen C0687120, MONDO:0019005, HP:0000090.
Jeune thoracic dystrophy. Also called: Jeune syndrome; Infantile thoracic dystrophy; Thoracic pelvic phalangeal dystrophy; Jeune's syndrome; Chondroectodermal dysplasia-like syndrome; Short-rib thoracic dysplasia. Identifiers: Orphanet 474, MedGen C0265275, MONDO:0018770.

Allele frequency attached by ClinVar (database versions not stated): ExAC 0.00002; gnomAD exomes 0.00003; TOPMed 0.00003; gnomAD 0.00005 and 0.00006; ESP Exome Variant Server 0.00008.
gnomAD v4.1: 59 of 1,613,826 alleles (0.0037%); highest among the groups gnomAD compares: Non-Finnish European, 0.0045%; no homozygotes.

Submissions (5):

Ambry Genetics
Classification: Uncertain significance for Inborn genetic diseases. Last evaluated: 2025-03-03. Review status: criteria provided, single submitter. Criteria: Ambry Variant Classification Scheme 2023. Collection method: clinical testing. Allele origin: germline.

PreventionGenetics, part of Exact Sciences
Classification: Uncertain significance for TTC21B-related condition. Last evaluated: 2024-11-04. Review status: criteria provided, single submitter. Criteria: ACMG Guidelines, 2015. Collection method: clinical testing. Allele origin: germline.
Comment: The TTC21B c.667C>G variant is predicted to result in the amino acid substitution p.Leu223Val. To our knowledge, this variant has not been reported in the literature. This variant is reported in 0.0070% of alleles in individuals of European (Non-Finnish) descent in gnomAD. At this time, the clinical significance of this variant is uncertain due to the absence of conclusive functional and genetic evidence.

Blueprint Genetics
Classification: Uncertain significance. Last evaluated: 2024-06-18. Review status: criteria provided, single submitter. Criteria: ACMG Guidelines, 2015. Collection method: clinical testing. Allele origin: germline.

Labcorp Genetics (formerly Invitae), Labcorp
Classification: Uncertain significance for Jeune thoracic dystrophy; Nephronophthisis. Last evaluated: 2023-11-27. Review status: criteria provided, single submitter. Criteria: Invitae Variant Classification Sherloc (09022015). Collection method: clinical testing. Allele origin: germline.
Comment: This sequence change replaces leucine, which is neutral and non-polar, with valine, which is neutral and non-polar, at codon 223 of the TTC21B protein (p.Leu223Val). This variant is present in population databases (rs370860586, gnomAD 0.008%). This variant has not been reported in the literature in individuals affected with TTC21B-related conditions. ClinVar contains an entry for this variant (Variation ID: 988173). Advanced modeling of protein sequence and biophysical properties (such as structural, functional, and spatial information, amino acid conservation, physicochemical variation, residue mobility, and thermodynamic stability) performed at Invitae indicates that this missense variant is not expected to disrupt TTC21B protein function with a negative predictive value of 95%. In summary, the available evidence is currently insufficient to determine the role of this variant in disease. Therefore, it has been classified as a Variant of Uncertain Significance.

Sydney Genome Diagnostics, Children's Hospital Westmead
Classification: Uncertain significance for Nephrotic syndrome. Last evaluated: 2019-07-26. Review status: no assertion criteria provided. Collection method: clinical testing. Allele origin: unknown. Affected: yes. Observed: 1 variant allele, 1 heterozygote. Not counted in ClinVar's aggregate classification.
Comment: To our knowledge, this variant has not been previously reported in the literature or any disease specific databases to be a disease causing variant. This variant has been reported in the gnomAD browser with a very low allele frequency of 0.003% (9 out of 282, 644 alleles). In silico analysis of pathogenicity (through Alamut Visual v2.8.1) is inconclusive regarding this change; PolyPhen2 and MutationTaster predicts it to be likely pathogenic whereas SIFT predicts this variant to be benign. This variant is considered to be a variant of uncertain clinical significance (VOUS) according to the ACMG guidelines.